The following is an entry in ClinVar:

ClinVar aggregate classification (germline): Uncertain significance (1 of 4 stars; one submission).

gnomAD v4.1: 2 of 1,612,932 alleles (0.00012%); highest among the groups gnomAD compares: Non-Finnish European, 0.00017%; no homozygotes.

Submission:

GeneDx
Classification: Uncertain significance. Last evaluated: 2025-06-11. Review status: criteria provided, single submitter. Criteria: GeneDx Variant Classification Process June 2021. Collection method: clinical testing. Allele origin: germline. Affected: yes.
Comment: Not observed at significant frequency in large population cohorts (gnomAD); In silico analysis suggests that this missense variant does not alter protein structure/function; Has not been previously published as pathogenic or benign to our knowledge

NM_001287491.2(TET3):c.1958G>A (p.Gly653Asp)

Gene: TET3 (tet methylcytosine dioxygenase 3; plus strand). Cytogenetic location: 2p13.1.
Variant type: single nucleotide variant.
Coding change: c.1958G>A on transcript NM_001287491.2 (MANE Select); coding-DNA position 1958, G replaced by A.
Protein change: p.Gly653Asp; replaces glycine 653 with aspartic acid.
Molecular consequence: missense variant.
Genome position (GRCh38, 1-based): chr2:74,047,875, G>A. VCF-style: chr2-74047875-G-A. GRCh37 (hg19) VCF-style: chr2-74275002-G-A.
Other names: c.1679G>A, p.Gly560Asp (NM_001366022.1); short protein forms G560D, G653D.
Identifiers: ClinVar variation 4537727 (VCV004537727.1).